The following is an entry in ClinVar:

ClinVar aggregate classification (germline): Uncertain significance (1 of 4 stars; one submission).

Conditions:
Inborn genetic diseases. Identifiers: MedGen C0950123, MeSH D030342.

Submission:

Ambry Genetics
Classification: Uncertain significance for Inborn genetic diseases. Last evaluated: 2025-01-27. Review status: criteria provided, single submitter. Criteria: Ambry Variant Classification Scheme 2023. Collection method: clinical testing. Allele origin: germline.
Comment: The p.M240T variant (also known as c.719T>C), located in coding exon 5 of the ETV6 gene, results from a T to C substitution at nucleotide position 719. The methionine at codon 240 is replaced by threonine, an amino acid with similar properties. This amino acid position is conserved. In addition, this alteration is predicted to be tolerated by in silico analysis. Based on the available evidence, the clinical significance of this variant remains unclear.

NM_001987.5(ETV6):c.719T>C (p.Met240Thr)

Gene: ETV6 (ETS variant transcription factor 6; plus strand). Cytogenetic location: 12p13.2.
Variant type: single nucleotide variant.
Coding change: c.719T>C on transcript NM_001987.5 (MANE Select); coding-DNA position 719, T replaced by C.
Protein change: p.Met240Thr; replaces methionine 240 with threonine.
Molecular consequence: missense variant.
Genome position (GRCh38, 1-based): chr12:11,869,679, T>C. VCF-style: chr12-11869679-T-C. GRCh37 (hg19) VCF-style: chr12-12022613-T-C.
Other names: c.716T>C, p.Met239Thr (NM_001413913.1); c.692T>C, p.Met231Thr (NM_001413914.1); c.455T>C, p.Met152Thr (NM_001413915.1); c.719T>C, p.Met240Thr (NM_001413916.1, NM_001413917.1); short protein forms M152T, M231T, M239T, M240T.
Identifiers: ClinVar variation 3846519 (VCV003846519.1).
Genomic context (GRCh38, chr12:11,869,679, plus strand): 5'-GACCCAGGCCGCACCAGGAGAACAACCACCAGGAGTCCTACCCTCTGTCAGTGTCTCCCA[T>C]GGAGAATAATCACTGCCCAGCGTCCTCCGAGTCCCACCCGAAGCCATCCAGCCCCCGGCA-3'
Protein context (NP_001978.1, residues 230-250): QESYPLSVSP[Met240Thr]ENNHCPASSE